The following is an entry in ClinVar:

ClinVar aggregate classification (germline): Uncertain significance (1 of 4 stars; one submission).

Submission:

GeneDx
Classification: Uncertain significance. Last evaluated: 2025-08-19. Review status: criteria provided, single submitter. Criteria: GeneDx Variant Classification Process June 2021. Collection method: clinical testing. Allele origin: germline.
Comment: Not observed at significant frequency in large population cohorts (gnomAD); Nonsense variant predicted to result in protein truncation or nonsense mediated decay in a gene or region of a gene for which loss of function is not a well-established mechanism of disease; Has not been previously published as pathogenic or benign to our knowledge

NM_006922.4(SCN3A):c.2101G>T (p.Gly701Ter)

Gene: SCN3A (sodium voltage-gated channel alpha subunit 3; minus strand). Cytogenetic location: 2q24.3.
Variant type: single nucleotide variant.
Coding change: c.2101G>T on transcript NM_006922.4 (MANE Select); coding-DNA position 2101, G replaced by T.
Protein change: p.Gly701Ter; replaces glycine 701 with a stop codon.
Molecular consequence: nonsense.
Genome position (GRCh38, 1-based): chr2:165,139,527, C>A on the plus strand (G>T on the coding strand, the complement: SCN3A is on the minus strand). VCF-style: chr2-165139527-C-A. GRCh37 (hg19) VCF-style: chr2-165996037-C-A.
Other names: c.1954G>T, p.Gly652Ter (NM_001081676.2, NM_001081677.2); short protein forms G652*, G701*.
Identifiers: ClinVar variation 3899599 (VCV003899599.2).